The following is an entry in ClinVar:

ClinVar aggregate classification (germline): Uncertain significance (1 of 4 stars; one submission).

Allele frequency attached by ClinVar (database versions not stated): gnomAD exomes below 0.00001; TOPMed 0.00001.
gnomAD v4.1: 1 of 1,614,152 alleles (0.000062%); highest among the groups gnomAD compares: Non-Finnish European, 0.000085%; no homozygotes.

Submission:

GeneDx
Classification: Uncertain significance. Last evaluated: 2020-03-03. Review status: criteria provided, single submitter. Criteria: GeneDx Variant Classification Process June 2021. Collection method: clinical testing. Allele origin: germline. Affected: yes.
Comment: Not observed in large population cohorts (Lek et al., 2016); In silico analysis supports that this missense variant has a deleterious effect on protein structure/function; Has not been previously published as pathogenic or benign to our knowledge

NM_031885.5(BBS2):c.1348G>A (p.Asp450Asn)

Gene: BBS2 (Bardet-Biedl syndrome 2; minus strand). Cytogenetic location: 16q13.
Variant type: single nucleotide variant.
Coding change: c.1348G>A on transcript NM_031885.5 (MANE Select); coding-DNA position 1348, G replaced by A.
Protein change: p.Asp450Asn; replaces aspartic acid 450 with asparagine.
Molecular consequence: missense variant. On other transcripts: non-coding transcript variant (2).
Genome position (GRCh38, 1-based): chr16:56,500,903, C>T on the plus strand (G>A on the coding strand, the complement: BBS2 is on the minus strand). VCF-style: chr16-56500903-C-T. GRCh37 (hg19) VCF-style: chr16-56534815-C-T.
Other names: c.1348G>A, p.Asp450Asn (NM_001377456.1); short protein forms D450N.
Identifiers: ClinVar variation 1314056 (VCV001314056.2), dbSNP rs1964250912, ClinGen allele CA395979416.